The following is an entry in ClinVar:

NM_001382567.1(STIM1):c.313C>G (p.His105Asp)

Gene: STIM1 (stromal interaction molecule 1; plus strand). Cytogenetic location: 11p15.4.
Variant type: single nucleotide variant.
Coding change: c.313C>G on transcript NM_001382567.1 (MANE Select); coding-DNA position 313, C replaced by G.
Protein change: p.His105Asp; replaces histidine 105 with aspartic acid.
Molecular consequence: missense variant. On other transcripts: 5 prime UTR variant (3), non-coding transcript variant (3).
Genome position (GRCh38, 1-based): chr11:4,023,915, C>G. VCF-style: chr11-4023915-C-G. GRCh37 (hg19) VCF-style: chr11-4045145-C-G.
Other names: c.313C>G, p.His105Asp (NM_001277961.3, NM_001277962.2, NM_001382568.1 and 3 more transcripts); c.91C>G, p.His31Asp (NM_001382566.1, NM_001382573.1, NM_001382574.1 and 5 more transcripts); c.178C>G, p.His60Asp (NM_001382569.1); c.-56C>G (NM_001382571.1); c.-177C>G (NM_001382580.1, NM_001382581.1); short protein forms H31D, H105D, H60D.
Identifiers: ClinVar variation 1983568 (VCV001983568.4), dbSNP rs2497906241, ClinGen allele CA379485249.

ClinVar aggregate classification (germline): Uncertain significance (1 of 4 stars; one submission).

Conditions:
Combined immunodeficiency due to STIM1 deficiency. Also called: IMMUNODEFICIENCY 10; STIM1 DEFICIENCY. Identifiers: Orphanet 169090, Orphanet 317430, MedGen C2748557, MONDO:0013008, OMIM 612783.
Myopathy with tubular aggregates (TAM). Also called: Tubular Aggregate Myopathy. Identifiers: Orphanet 2593, MedGen C0410207, MONDO:0008051.
Stormorken syndrome (STRMK). Also called: THROMBOCYTOPATHY, ASPLENIA, AND MIOSIS. Identifiers: Orphanet 3204, MedGen C1861451, MONDO:0008497, OMIM 185070.

Submission:

Labcorp Genetics (formerly Invitae), Labcorp
Classification: Uncertain significance for Myopathy with tubular aggregates; Combined immunodeficiency due to STIM1 deficiency; Stormorken syndrome. Last evaluated: 2024-05-22. Review status: criteria provided, single submitter. Criteria: Invitae Variant Classification Sherloc (09022015). Collection method: clinical testing. Allele origin: germline.
Comment: This sequence change replaces histidine, which is basic and polar, with aspartic acid, which is acidic and polar, at codon 105 of the STIM1 protein (p.His105Asp). This variant is not present in population databases (gnomAD no frequency). This variant has not been reported in the literature in individuals affected with STIM1-related conditions. ClinVar contains an entry for this variant (Variation ID: 1983568). Advanced modeling of protein sequence and biophysical properties (such as structural, functional, and spatial information, amino acid conservation, physicochemical variation, residue mobility, and thermodynamic stability) has been performed at Invitae for this missense variant, however the output from this modeling did not meet the statistical confidence thresholds required to predict the impact of this variant on STIM1 protein function. In summary, the available evidence is currently insufficient to determine the role of this variant in disease. Therefore, it has been classified as a Variant of Uncertain Significance.